The following is an entry in ClinVar:

ClinVar aggregate classification (germline): Conflicting classifications of pathogenicity. Review status: criteria provided, conflicting classifications (1 of 4 stars). 7 submissions from 7 submitters: Likely pathogenic (3); Uncertain significance (4). Last evaluated 2026-10-01.

Conditions:
SDHAF2-related disorder. Also called: SDHAF2-related condition.
Hereditary cancer-predisposing syndrome. Also called: Hereditary neoplastic syndrome; Neoplastic Syndromes, Hereditary; Hereditary Cancer Syndrome; Tumor predisposition. Identifiers: Orphanet 140162, MedGen C0027672, MeSH D009386, MONDO:0015356.
Hereditary pheochromocytoma and paraganglioma. Also called: Hereditary pheochromocytoma-paraganglioma; Hereditary Paraganglioma-Pheochromocytoma Syndromes; Hereditary paragangliomas and pheochromocytomas. Identifiers: Orphanet 29072, MedGen C4274332, MONDO:0017366.
Pheochromocytoma/paraganglioma syndrome 2. Also called: SDHAF2-Related Hereditary Paraganglioma-Pheochromocytoma Syndrome; GLOMUS TUMORS, FAMILIAL, 2; Paragangliomas 2; SDHAF2-Related Hereditary Paraganglioma-Pheochromocytoma Syndrome (Paragangliomas 2). Identifiers: Orphanet 29072, MedGen C1866552, MONDO:0011121, OMIM 601650.

Allele frequency attached by ClinVar (database versions not stated): gnomAD exomes 0.00001 and 0.00003; ExAC 0.00002; TOPMed 0.00002; ESP Exome Variant Server 0.00015.
gnomAD v4.1: 42 of 1,614,208 alleles (0.0026%); highest among the groups gnomAD compares: Non-Finnish European, 0.0036%; no homozygotes.

Submissions (7):

St. Jude Molecular Pathology, St. Jude Children's Research Hospital
Classification: Uncertain significance for Pheochromocytoma/paraganglioma syndrome 2. Last evaluated: 2026-10-01. Review status: criteria provided, single submitter. Criteria: St. Jude Assertion Criteria 2020. Collection method: clinical testing. Allele origin: germline.
Comment: The SDHAF2 c.371-2A>G intronic change results in an A to G substitution at the -2 position of intron 3 of the SDHAF2 gene. This variant has a maximum population frequency of 0.0026% in gnomAD v2.1.1. This variant is predicted to result in aberr ant splicing; however, it is not expected to result in nonsense-mediated decay. Internal RNA data confirms aberrant splicing. To our knowledge, this variant has not been reported in the literature in individuals with SDHAF2-related disease. This variant is also absent in gnomAD v2.1.1. In summary, the evidence currently available is insufficient to determine the clinical significance of this variant. It has therefore been classified as of uncertain significance (VUS- Mid).

PreventionGenetics, part of Exact Sciences
Classification: Uncertain significance for SDHAF2-related condition. Last evaluated: 2026-05-28. Review status: criteria provided, single submitter. Criteria: ACMG Guidelines, 2015. Collection method: clinical testing. Allele origin: germline.
Comment: The SDHAF2 c.371-2A>G variant is predicted to disrupt the AG splice acceptor site and interfere with normal splicing. This variant is predicted to alter splicing based on available splicing prediction programs (SpliceAI, Jaganathan et al. 2019. PubMed ID: 30661751). However, the use of computer prediction programs is not equivalent to functional evidence. This variant occurs in the last exon and is not expected to result in nonsense mediated mRNA decay. This variant has been reported in an individual with squamous cell carcinoma (Hutchcraft et al. 2024. PubMed ID: 38295319). This variant is reported in 0.0026% of alleles in individuals of European (Non-Finnish) descent in gnomAD. This variant has conflicting interpretations in ClinVar ranging from uncertain to likely pathogenic (Variation ID: 411604). Although we suspect that this variant may be pathogenic, at this time, the clinical significance of this variant is uncertain due to the absence of conclusive functional and genetic evidence.

Labcorp Genetics (formerly Invitae), Labcorp
Classification: Uncertain significance for Hereditary pheochromocytoma and paraganglioma. Last evaluated: 2026-01-21. Review status: criteria provided, single submitter. Criteria: Invitae Variant Classification Sherloc (09022015). Collection method: clinical testing. Allele origin: germline.
Comment: This sequence change affects an acceptor splice site in intron 3 of the SDHAF2 gene. While this variant is not anticipated to result in nonsense mediated decay, it likely alters RNA splicing and results in a disrupted protein product. This variant is present in population databases (rs375280597, gnomAD 0.004%). This variant has not been reported in the literature in individuals affected with SDHAF2-related conditions. ClinVar contains an entry for this variant (Variation ID: 411604). Variants that disrupt the consensus splice site are a relatively common cause of aberrant splicing (PMID: 17576681, 9536098). Studies have shown that disruption of this splice site is associated with inconclusive levels of altered splicing (internal data). In summary, the available evidence is currently insufficient to determine the role of this variant in disease. Therefore, it has been classified as a Variant of Uncertain Significance.

Ambry Genetics
Classification: Likely pathogenic for Hereditary cancer-predisposing syndrome. Last evaluated: 2025-06-23. Review status: criteria provided, single submitter. Criteria: Ambry Variant Classification Scheme 2023. Collection method: clinical testing. Allele origin: germline.
Comment: The c.371-2A>G intronic variant results from an A to G substitution two nucleotides upstream from coding exon 4 in the SDHAF2 gene. This alteration occurs at the 3' terminus of the SDHAF2 gene, is not expected to trigger nonsense-mediated mRNA decay, and only impacts the last 43 amino acids of the protein. The exact functional effect of this alteration is unknown; however, the impacted region is critical for protein function and a significant portion of the protein is affected (Ambry internal data). This alteration has been observed in at least one individual with a personal history that is consistent with SDHAF2-related disease (Ambry internal data). This variant is considered to be rare based on population cohorts in the Genome Aggregation Database (gnomAD). This nucleotide position is highly conserved in available vertebrate species. In silico splice site analysis predicts that this alteration will weaken the native splice acceptor site; however, direct evidence is insufficient at this time (Ambry internal data). Based on the majority of available evidence to date, this variant is likely to be pathogenic.

Color Diagnostics, LLC DBA Color Health
Classification: Uncertain significance for Hereditary pheochromocytoma and paraganglioma. Last evaluated: 2025-06-13. Review status: criteria provided, single submitter. Criteria: ACMG Guidelines, 2015. Collection method: clinical testing. Allele origin: germline.
Comment: This variant causes a A>G nucleotide substitution at the -2 position of intron 3 of the SDHAF2 gene. Splice site prediction tools suggest that this variant may have a significant impact on RNA splicing. Although this prediction has not been confirmed in published RNA studies, the levels of altered splicing have been reported as inconclusive (ClinVar SCV000552834.8, SCV000675044.6). This variant has not been reported in individuals affected with SDHAF2-related disorders in the literature. This variant has been identified in 3/251338 chromosomes in the general population by the Genome Aggregation Database (gnomAD). The available evidence is insufficient to determine the role of this variant in disease conclusively. Therefore, this variant is classified as a Variant of Uncertain Significance.

Institute for Genomic Medicine (IGM) Clinical Laboratory, Nationwide Children's Hospital
Classification: Likely pathogenic for Pheochromocytoma/paraganglioma syndrome 2. Last evaluated: 2024-02-08. Review status: criteria provided, single submitter. Criteria: ACMG Guidelines, 2015. Collection method: clinical testing. Allele origin: germline.
Comment: This variant is predicted to result in loss of function through nonsense-mediated decay of the encoded transcript or premature truncation of the encoded protein in a gene in which loss of function is a known mechanism of disease (ACMG/AMP: PVS1_Strong). This variant is absent from or present at an exceedingly low frequency in gnomAD, a large-scale control population database (ACMG/AMP: PM2).

Baylor Genetics
Classification: Likely pathogenic for Pheochromocytoma/paraganglioma syndrome 2. Last evaluated: 2022-04-25. Review status: criteria provided, single submitter. Criteria: ACMG Guidelines, 2015. Collection method: clinical testing. Allele origin: unknown.

Literature cited by the submitters: PubMed 17576681 (cited by Labcorp Genetics (formerly Invitae), Labcorp); PubMed 9536098 (cited by Labcorp Genetics (formerly Invitae), Labcorp).

NM_017841.4(SDHAF2):c.371-2A>G

Gene: SDHAF2 (succinate dehydrogenase complex assembly factor 2; plus strand). Cytogenetic location: 11q12.2.
Variant type: single nucleotide variant.
Coding change: c.371-2A>G on transcript NM_017841.4 (MANE Select); the canonical splice acceptor site of the intron before coding-DNA position 371, A replaced by G.
Molecular consequence: splice acceptor variant.
Genome position (GRCh38, 1-based): chr11:61,445,939, A>G. VCF-style: chr11-61445939-A-G. GRCh37 (hg19) VCF-style: chr11-61213411-A-G.
Identifiers: ClinVar variation 411604 (VCV000411604.19), dbSNP rs375280597, ClinGen allele CA059030.